The following is an entry in ClinVar:

NM_001079855.2(GYG2):c.385G>A (p.Gly129Arg)

Gene: GYG2 (glycogenin 2; plus strand). Cytogenetic location: Xp22.33.
Variant type: single nucleotide variant.
Coding change: c.385G>A on transcript NM_001079855.2 (MANE Select); coding-DNA position 385, G replaced by A.
Protein change: p.Gly129Arg; replaces glycine 129 with arginine.
Molecular consequence: missense variant. On other transcripts: 5 prime UTR variant (1).
Genome position (GRCh38, 1-based): chrX:2,855,053, G>A. VCF-style: chrX-2855053-G-A. GRCh37 (hg19) VCF-style: chrX-2773094-G-A.
Other names: c.385G>A, p.Gly129Arg (NM_001184702.2); c.478G>A, p.Gly160Arg (NM_001184703.2, NM_003918.3); c.-81G>A (NM_001184704.2); short protein forms G129R, G160R.
Identifiers: ClinVar variation 3523488 (VCV003523488.2).

ClinVar aggregate classification (germline): Uncertain significance. Review status: criteria provided, multiple submitters, no conflicts (2 of 4 stars). 2 submissions from 2 submitters: Uncertain significance (2). Last evaluated 2025-12-04.

Submissions (2):

Labcorp Genetics (formerly Invitae), Labcorp
Classification: Uncertain significance. Last evaluated: 2025-12-04. Review status: criteria provided, single submitter. Criteria: Invitae Variant Classification Sherloc (09022015). Collection method: clinical testing. Allele origin: germline.
Comment: This sequence change replaces glycine, which is neutral and non-polar, with arginine, which is basic and polar, at codon 160 of the GYG2 protein (p.Gly160Arg). This variant is present in population databases (rs141104562, gnomAD 0.04%). This variant has not been reported in the literature in individuals affected with GYG2-related conditions. ClinVar contains an entry for this variant (Variation ID: 3523488). An algorithm developed to predict the effect of missense changes on protein structure and function (PolyPhen-2) suggests that this variant is likely to be disruptive. In summary, the available evidence is currently insufficient to determine the role of this variant in disease. Therefore, it has been classified as a Variant of Uncertain Significance.

Ambry Genetics
Classification: Uncertain significance. Last evaluated: 2024-07-14. Review status: criteria provided, single submitter. Criteria: Ambry Variant Classification Scheme 2023. Collection method: clinical testing. Allele origin: germline.